The following is an entry in ClinVar:

ClinVar aggregate classification (germline): Uncertain significance. Review status: criteria provided, multiple submitters, no conflicts (2 of 4 stars). 2 submissions from 2 submitters: Uncertain significance (2). Last evaluated 2025-11-21.

Conditions:
Inborn genetic diseases. Identifiers: MedGen C0950123, MeSH D030342.
Deficiency of isobutyryl-CoA dehydrogenase. Also called: ACAD8 DEFICIENCY; IBD DEFICIENCY; ACYL-CoA DEHYDROGENASE FAMILY, MEMBER 8, DEFICIENCY OF. Identifiers: Orphanet 79159, MedGen C1969809, MONDO:0012648, OMIM 611283.

gnomAD v4.1: 6 of 1,612,662 alleles (0.00037%); highest among the groups gnomAD compares: Non-Finnish European, 0.00051%; no homozygotes.

Submissions (2):

Labcorp Genetics (formerly Invitae), Labcorp
Classification: Uncertain significance for Deficiency of isobutyryl-CoA dehydrogenase. Last evaluated: 2025-11-21. Review status: criteria provided, single submitter. Criteria: Invitae Variant Classification Sherloc (09022015). Collection method: clinical testing. Allele origin: germline.
Comment: This sequence change replaces arginine, which is basic and polar, with glycine, which is neutral and non-polar, at codon 244 of the ACAD8 protein (p.Arg244Gly). This variant is present in population databases (rs746960051, gnomAD 0.0009%). This missense change has been observed in individual(s) with clinical features of ACAD8-related conditions (internal data). ClinVar contains an entry for this variant (Variation ID: 2541180). Invitae Evidence Modeling of protein sequence and biophysical properties (such as structural, functional, and spatial information, amino acid conservation, physicochemical variation, residue mobility, and thermodynamic stability) has been performed for this missense variant. However, the output from this modeling did not meet the statistical confidence thresholds required to predict the impact of this variant on ACAD8 protein function. In summary, the available evidence is currently insufficient to determine the role of this variant in disease. Therefore, it has been classified as a Variant of Uncertain Significance.

Ambry Genetics
Classification: Uncertain significance for Inborn genetic diseases. Last evaluated: 2023-05-18. Review status: criteria provided, single submitter. Criteria: Ambry Variant Classification Scheme 2023. Collection method: clinical testing. Allele origin: germline.

NM_014384.3(ACAD8):c.730C>G (p.Arg244Gly)

Gene: ACAD8 (acyl-CoA dehydrogenase family member 8; plus strand). Cytogenetic location: 11q25.
Variant type: single nucleotide variant.
Coding change: c.730C>G on transcript NM_014384.3 (MANE Select); coding-DNA position 730, C replaced by G.
Protein change: p.Arg244Gly; replaces arginine 244 with glycine.
Molecular consequence: missense variant.
Genome position (GRCh38, 1-based): chr11:134,261,068, C>G. VCF-style: chr11-134261068-C-G. GRCh37 (hg19) VCF-style: chr11-134130962-C-G.
Other names: short protein forms R244G.
Identifiers: ClinVar variation 2541180 (VCV002541180.5), dbSNP rs746960051, ClinGen allele CA6373068.
Genomic context (GRCh38, chr11:134,261,068, plus strand): 5'-TTGTTGGGCAACCACGCAGTCCCTGATTTTTGCCAGGTGGGGTGGAACTCCCAGCCAACA[C>G]GAGCTGTGATCTTCGAAGACTGTGCTGTCCCTGTGGCCAACAGAATTGGGAGCGAGGGGC-3'
Protein context (NP_055199.1, residues 234-254): KKVGWNSQPT[Arg244Gly]AVIFEDCAVP